The following is an entry in ClinVar:

ClinVar aggregate classification (germline): Uncertain significance. Review status: criteria provided, multiple submitters, no conflicts (2 of 4 stars). 3 submissions from 3 submitters: Uncertain significance (3). Last evaluated 2025-09-12.

Conditions:
Hereditary cancer-predisposing syndrome. Also called: Neoplastic Syndromes, Hereditary; Tumor predisposition; Hereditary neoplastic syndrome; Hereditary Cancer Syndrome. Identifiers: Orphanet 140162, MedGen C0027672, MeSH D009386, MONDO:0015356.

Allele frequency attached by ClinVar (database versions not stated): gnomAD exomes below 0.00001; ExAC 0.00001; gnomAD 0.00001; TOPMed 0.00001.
gnomAD v4.1: 5 of 1,613,378 alleles (0.00031%); highest among the groups gnomAD compares: Admixed American, 0.0033%; no homozygotes.

Submissions (3):

Labcorp Genetics (formerly Invitae), Labcorp
Classification: Uncertain significance. Last evaluated: 2025-09-12. Review status: criteria provided, single submitter. Criteria: Invitae Variant Classification Sherloc (09022015). Collection method: clinical testing. Allele origin: germline.
Comment: This sequence change replaces arginine, which is basic and polar, with glycine, which is neutral and non-polar, at codon 790 of the MSH3 protein (p.Arg790Gly). This variant is present in population databases (rs745894696, gnomAD 0.003%). This variant has not been reported in the literature in individuals affected with MSH3-related conditions. ClinVar contains an entry for this variant (Variation ID: 641645). An algorithm developed to predict the effect of missense changes on protein structure and function (PolyPhen-2) suggests that this variant is likely to be disruptive. In summary, the available evidence is currently insufficient to determine the role of this variant in disease. Therefore, it has been classified as a Variant of Uncertain Significance.

Quest Diagnostics Nichols Institute San Juan Capistrano
Classification: Uncertain significance. Last evaluated: 2025-09-11. Review status: criteria provided, single submitter. Criteria: Quest Diagnostics criteria. Collection method: clinical testing. Allele origin: unknown.
Comment: The MSH3 c.2368A>G (p.Arg790Gly) variant has not been reported in individuals with MSH3-related conditions in the published literature. The frequency of this variant in the general population (Genome Aggregation Database) is uninformative in the assessment of its pathogenicity. Analysis of this variant using bioinformatics tools for the prediction of the effect of amino acid changes on protein structure and function yielded predictions that this variant is damaging. Based on the available information, we are unable to determine the clinical significance of this variant.

Ambry Genetics
Classification: Uncertain significance for Hereditary cancer-predisposing syndrome. Last evaluated: 2025-08-06. Review status: criteria provided, single submitter. Criteria: Ambry Variant Classification Scheme 2023. Collection method: clinical testing. Allele origin: germline.
Comment: The p.R790G variant (also known as c.2368A>G), located in coding exon 17 of the MSH3 gene, results from an A to G substitution at nucleotide position 2368. The arginine at codon 790 is replaced by glycine, an amino acid with dissimilar properties. This amino acid position is highly conserved in available vertebrate species. In addition, the in silico prediction for this alteration is inconclusive. Based on the available evidence, the clinical significance of this variant remains unclear.

NM_002439.5(MSH3):c.2368A>G (p.Arg790Gly)

Gene: MSH3 (mutS homolog 3; plus strand). Cytogenetic location: 5q14.1.
Variant type: single nucleotide variant.
Coding change: c.2368A>G on transcript NM_002439.5 (MANE Select); coding-DNA position 2368, A replaced by G.
Protein change: p.Arg790Gly; replaces arginine 790 with glycine.
Molecular consequence: missense variant.
Genome position (GRCh38, 1-based): chr5:80,778,769, A>G. VCF-style: chr5-80778769-A-G. GRCh37 (hg19) VCF-style: chr5-80074588-A-G.
Other names: short protein forms R790G.
Identifiers: ClinVar variation 641645 (VCV000641645.11), dbSNP rs745894696, ClinGen allele CA3328234.